The following is an entry in ClinVar:

NM_016239.4(MYO15A):c.10018C>T (p.Gln3340Ter)

Gene: MYO15A (myosin XVA; plus strand). Cytogenetic location: 17p11.2.
Variant type: single nucleotide variant.
Coding change: c.10018C>T on transcript NM_016239.4 (MANE Select); coding-DNA position 10018, C replaced by T.
Protein change: p.Gln3340Ter; replaces glutamine 3340 with a stop codon.
Molecular consequence: nonsense.
Genome position (GRCh38, 1-based): chr17:18,167,659, C>T. VCF-style: chr17-18167659-C-T. GRCh37 (hg19) VCF-style: chr17-18070973-C-T.
Other names: short protein forms Q3340*.
Identifiers: ClinVar variation 489207 (VCV000489207.1), dbSNP rs1209867958, ClinGen allele CA398642874.

ClinVar aggregate classification (germline): Pathogenic (1 of 4 stars; one submission).

Allele frequency attached by ClinVar (database versions not stated): gnomAD 0.00001; TOPMed 0.00001.

Submission:

GeneDx
Classification: Pathogenic. Last evaluated: 2018-01-16. Review status: criteria provided, single submitter. Criteria: GeneDx Variant Classification (06012015). Collection method: clinical testing. Allele origin: germline. Affected: yes.
Comment: The Q3340X nonsense variant has not been published as a pathogenic variant, nor has it been reported as a benign variant to our knowledge. The variant is predicted to cause loss of normal protein function either through protein truncation or nonsense-mediated mRNA decay. The variant is not observed in large population cohorts (Lek et al., 2016). In summary, we consider this variant to be pathogenic.